The following is an entry in ClinVar:

ClinVar aggregate classification (germline): Uncertain significance (1 of 4 stars; one submission).

Submission:

Mayo Clinic Laboratories, Mayo Clinic
Classification: Uncertain significance. Last evaluated: 2025-02-09. Review status: criteria provided, single submitter. Criteria: ACMG Guidelines, 2015. Collection method: clinical testing. Allele origin: germline. Observed: 1 variant allele.
Comment: BP4, PM2_supporting

NM_004656.4(BAP1):c.958T>G (p.Cys320Gly)

Gene: BAP1 (BRCA1 associated deubiquitinase 1; minus strand). Cytogenetic location: 3p21.1.
Variant type: single nucleotide variant.
Coding change: c.958T>G on transcript NM_004656.4 (MANE Select); coding-DNA position 958, T replaced by G.
Protein change: p.Cys320Gly; replaces cysteine 320 with glycine.
Molecular consequence: missense variant.
Genome position (GRCh38, 1-based): chr3:52,405,268, A>C on the plus strand (T>G on the coding strand, the complement: BAP1 is on the minus strand). VCF-style: chr3-52405268-A-C. GRCh37 (hg19) VCF-style: chr3-52439284-A-C.
Other names: p.Cys320Gly; c.904T>G, p.Cys302Gly (NM_001410772.1); short protein forms C302G, C320G.
Identifiers: ClinVar variation 4540887 (VCV004540887.1).
Genomic context (GRCh38, chr3:52,405,268, plus strand): 5'-CTGGAGGCTTCACCACTAGCTTGGGTTTGTTGGGAGGGCTGTGGGATGGGGCTTGTGCGC[A>C]TGAACCAGCCGCCTCCTCTGCACCATCTGAGACAGGGCAAGAACACAGGCAGGACCTCCA-3'
Protein context (NP_004647.1, residues 310-330): TDGAEEAAGS[Cys320Gly]AQAPSHSPPN